The following is an entry in ClinVar:

NM_000334.4(SCN4A):c.484T>G (p.Tyr162Asp)

Gene: SCN4A (sodium voltage-gated channel alpha subunit 4; minus strand). Cytogenetic location: 17q23.3.
Variant type: single nucleotide variant.
Coding change: c.484T>G on transcript NM_000334.4 (MANE Select); coding-DNA position 484, T replaced by G.
Protein change: p.Tyr162Asp; replaces tyrosine 162 with aspartic acid.
Molecular consequence: missense variant.
Genome position (GRCh38, 1-based): chr17:63,971,849, A>C on the plus strand (T>G on the coding strand, the complement: SCN4A is on the minus strand). VCF-style: chr17-63971849-A-C. GRCh37 (hg19) VCF-style: chr17-62049209-A-C.
Other names: short protein forms Y162D.
Identifiers: ClinVar variation 4778819 (VCV004778819.1).

ClinVar aggregate classification (germline): Uncertain significance (1 of 4 stars; one submission).

Conditions:
Hyperkalemic periodic paralysis. Also called: Familial hyperkalemic periodic paralysis; Gamstorp disease. Identifiers: Orphanet 682, MedGen C0238357, MONDO:0008224, OMIM 170500, HP:0007215.

Submission:

Labcorp Genetics (formerly Invitae), Labcorp
Classification: Uncertain significance for Hyperkalemic periodic paralysis. Last evaluated: 2025-10-08. Review status: criteria provided, single submitter. Criteria: Invitae Variant Classification Sherloc (09022015). Collection method: clinical testing. Allele origin: germline.
Comment: This sequence change replaces tyrosine, which is neutral and polar, with aspartic acid, which is acidic and polar, at codon 162 of the SCN4A protein (p.Tyr162Asp). This variant is not present in population databases (gnomAD no frequency). This variant has not been reported in the literature in individuals affected with SCN4A-related conditions. Invitae Evidence Modeling of protein sequence and biophysical properties (such as structural, functional, and spatial information, amino acid conservation, physicochemical variation, residue mobility, and thermodynamic stability) indicates that this missense variant is expected to disrupt SCN4A protein function with a positive predictive value of 95%. In summary, the available evidence is currently insufficient to determine the role of this variant in disease. Therefore, it has been classified as a Variant of Uncertain Significance.